The following is an entry in ClinVar:

NM_004551.3(NDUFS3):c.3G>C (p.Met1Ile)

Gene: NDUFS3 (NADH:ubiquinone oxidoreductase core subunit S3; plus strand). Cytogenetic location: 11p11.2.
Variant type: single nucleotide variant.
Coding change: c.3G>C on transcript NM_004551.3 (MANE Select); coding-DNA position 3, G replaced by C.
Protein change: p.Met1Ile; changes the start codon (methionine 1).
Molecular consequence: missense variant, initiator codon variant.
Genome position (GRCh38, 1-based): chr11:47,579,094, G>C. VCF-style: chr11-47579094-G-C. GRCh37 (hg19) VCF-style: chr11-47600646-G-C.
Other names: short protein forms M1I.
Identifiers: ClinVar variation 2228564 (VCV002228564.3), dbSNP rs2509726477, ClinGen allele CA380356344.
Genomic context (GRCh38, chr11:47,579,094, plus strand): 5'-CTTGGGGCTCCGTGTCCTGCTGTCTTTCCGTCCGCTGCCTAGTCTGCATCTGAGTAACAT[G>C]GCGGCGGCGGCGGTAGCCAGGCTGTGGTGGCGCGGGATCTTGGGGGCCTCGGCGCTGACC-3'
Protein context (NP_004542.1, residues 1-11): [Met1Ile]AAAAVARLWW

ClinVar aggregate classification (germline): Likely pathogenic (1 of 4 stars; one submission).

Conditions:
Inborn genetic diseases. Identifiers: MedGen C0950123, MeSH D030342.

Submission:

Ambry Genetics
Classification: Likely pathogenic for Inborn genetic diseases. Last evaluated: 2020-12-31. Review status: criteria provided, single submitter. Criteria: Ambry Variant Classification Scheme 2023. Collection method: clinical testing. Allele origin: germline.
Comment: The c.3G>C (p.M1?) alteration is located in coding exon 1 of the NDUFS3 gene and results from a G to C substitution at nucleotide position 3. This alters the methionine residue at the initiation codon (ATG). Sequence variations that modify the initiation codon are expected to result in either loss of translation initiation, N-terminal truncation, or cause a shift in the mRNA reading frame. Based on data from the Genome Aggregation Database (gnomAD), the NDUFS3 c.3G>C alteration was not observed, with coverage at this position. Based on the available evidence, this alteration is classified as likely pathogenic.